The following is an entry in ClinVar:

NM_000051.4(ATM):c.3686A>G (p.Tyr1229Cys)

Gene: ATM (ATM serine/threonine kinase; plus strand). Cytogenetic location: 11q22.3.
Variant type: single nucleotide variant.
Coding change: c.3686A>G on transcript NM_000051.4 (MANE Select); coding-DNA position 3686, A replaced by G.
Protein change: p.Tyr1229Cys; replaces tyrosine 1229 with cysteine.
Molecular consequence: missense variant.
Genome position (GRCh38, 1-based): chr11:108,282,819, A>G. VCF-style: chr11-108282819-A-G. GRCh37 (hg19) VCF-style: chr11-108153546-A-G.
Other names: c.3686A>G, p.Tyr1229Cys (NM_001351834.2); short protein forms Y1229C.
Identifiers: ClinVar variation 824067 (VCV000824067.18), dbSNP rs1591641518, ClinGen allele CA382523412.
Genomic context (GRCh38, chr11:108,282,819, plus strand): 5'-TTATGGCATCTCATTTAGATTATCTGGTTTTGGAATGGCTAAATCTTCAAGATACTGAAT[A>G]CAACTTATCTTCTTTTCCTTTTATTTTATTAAACTACACAAATATTGAGGATTTCTATAG-3'
Protein context (NP_000042.3, residues 1219-1239): LEWLNLQDTE[Tyr1229Cys]NLSSFPFILL

ClinVar aggregate classification (germline): Uncertain significance. Review status: criteria provided, multiple submitters, no conflicts (2 of 4 stars). 3 submissions from 3 submitters: Uncertain significance (3). Last evaluated 2025-07-02.

Conditions:
Hereditary cancer-predisposing syndrome. Also called: Neoplastic Syndromes, Hereditary; Hereditary Cancer Syndrome; Hereditary neoplastic syndrome; Tumor predisposition. Identifiers: Orphanet 140162, MedGen C0027672, MeSH D009386, MONDO:0015356.
Ataxia-telangiectasia syndrome (AT). Also called: ATAXIA-TELANGIECTASIA, COMPLEMENTATION GROUP A; ATAXIA-TELANGIECTASIA, FRESNO VARIANT; Ataxia-telangiectasia, complementation group E; Ataxia telangiectasia (A-T); LOUIS-BAR SYNDROME; Cerebello-oculocutaneous telangiectasia. Identifiers: Orphanet 100, MedGen C0004135, MONDO:0008840, OMIM 208900.

Allele frequency attached by ClinVar (database versions not stated): TOPMed below 0.00001.

Submissions (3):

Labcorp Genetics (formerly Invitae), Labcorp
Classification: Uncertain significance for Ataxia-telangiectasia syndrome. Last evaluated: 2025-07-02. Review status: criteria provided, single submitter. Criteria: Invitae Variant Classification Sherloc (09022015). Collection method: clinical testing. Allele origin: germline.
Comment: This sequence change replaces tyrosine, which is neutral and polar, with cysteine, which is neutral and slightly polar, at codon 1229 of the ATM protein (p.Tyr1229Cys). This variant is not present in population databases (gnomAD no frequency). This variant has not been reported in the literature in individuals affected with ATM-related conditions. ClinVar contains an entry for this variant (Variation ID: 824067). Invitae Evidence Modeling of protein sequence and biophysical properties (such as structural, functional, and spatial information, amino acid conservation, physicochemical variation, residue mobility, and thermodynamic stability) indicates that this missense variant is not expected to disrupt ATM protein function with a negative predictive value of 95%. In summary, the available evidence is currently insufficient to determine the role of this variant in disease. Therefore, it has been classified as a Variant of Uncertain Significance.

Ambry Genetics
Classification: Uncertain significance for Hereditary cancer-predisposing syndrome. Last evaluated: 2025-02-13. Review status: criteria provided, single submitter. Criteria: Ambry Variant Classification Scheme 2023. Collection method: clinical testing. Allele origin: germline.
Comment: The p.Y1229C variant (also known as c.3686A>G), located in coding exon 24 of the ATM gene, results from an A to G substitution at nucleotide position 3686. The tyrosine at codon 1229 is replaced by cysteine, an amino acid with highly dissimilar properties. This amino acid position is well conserved in available vertebrate species. In addition, the in silico prediction for this alteration is inconclusive. Based on the available evidence, the clinical significance of this variant remains unclear.

Color Diagnostics, LLC DBA Color Health
Classification: Uncertain significance for Hereditary cancer-predisposing syndrome. Last evaluated: 2024-03-06. Review status: criteria provided, single submitter. Criteria: ACMG Guidelines, 2015. Collection method: clinical testing. Allele origin: germline.
Comment: This missense variant replaces tyrosine with cysteine at codon 1229 of the ATM protein. Computational prediction is inconclusive regarding the impact of this variant on protein structure and function (internally defined REVEL score threshold 0.5 < inconclusive < 0.7, PMID: 27666373). To our knowledge, functional studies have not been reported for this variant. This variant has not been reported in individuals affected with hereditary cancer in the literature. This variant has not been identified in the general population by the Genome Aggregation Database (gnomAD). The available evidence is insufficient to determine the role of this variant in disease conclusively. Therefore, this variant is classified as a Variant of Uncertain Significance.